The following is an entry in ClinVar:

NM_000548.5(TSC2):c.1747G>A (p.Ala583Thr)

Gene: TSC2 (TSC complex subunit 2; plus strand). Cytogenetic location: 16p13.3.
Variant type: single nucleotide variant.
Coding change: c.1747G>A on transcript NM_000548.5 (MANE Select); coding-DNA position 1747, G replaced by A.
Protein change: p.Ala583Thr; replaces alanine 583 with threonine.
Molecular consequence: missense variant.
Genome position (GRCh38, 1-based): chr16:2,070,486, G>A. VCF-style: chr16-2070486-G-A. GRCh37 (hg19) VCF-style: chr16-2120487-G-A.
Other names: p.A583T:GCC>ACC; c.1747G>A, p.Ala583Thr (NM_001077183.3, NM_001114382.3, NM_001363528.2 and 3 more transcripts); c.1636G>A, p.Ala546Thr (NM_001318827.2); c.1600G>A, p.Ala534Thr (NM_001318829.2); c.1147G>A, p.Ala383Thr (NM_001318831.2); c.1780G>A, p.Ala594Thr (NM_001318832.2); short protein forms A583T, A383T, A546T, A594T, A534T.
Identifiers: ClinVar variation 41729 (VCV000041729.77), dbSNP rs1800729, ClinGen allele CA015633.
Genomic context (GRCh38, chr16:2,070,486, plus strand): 5'-GCCGTGGTGAGCTGCGTCCTCTCTCTGCAGACCAAGCTGTACACCCTGCCTGCAAGCCAC[G>A]CCACGCGTGTGTATGAGATGCTGGTCAGCCACATTCAGCTCCACTACAAGCACAGCTACA-3'
Protein context (NP_000539.2, residues 573-593): TKLYTLPASH[Ala583Thr]TRVYEMLVSH

ClinVar aggregate classification (germline): Benign/Likely benign. Review status: criteria provided, multiple submitters, no conflicts (2 of 4 stars). 28 submissions from 28 submitters: Benign (13); Likely benign (8). 7 of the submissions do not count toward it. Last evaluated 2026-09-01.

Conditions:
Tuberous sclerosis 2 (TSC2). Identifiers: Orphanet 805, MedGen C1860707, MONDO:0013199, OMIM 613254.
Isolated focal cortical dysplasia type II (FCORD2). Also called: Focal cortical dysplasia type II; CORTICAL DYSPLASIA OF TAYLOR. Identifiers: Orphanet 268994, MedGen C1846385, MONDO:0011818, OMIM 607341, HP:0032051.
Lymphangiomyomatosis (LAM). Also called: Lymphangioleiomyomatosis, somatic; Lymphangioleiomyomatosis. Identifiers: Orphanet 538, MedGen C0751674, MONDO:0011705, OMIM 606690.
Hereditary cancer-predisposing syndrome. Also called: Neoplastic Syndromes, Hereditary; Hereditary neoplastic syndrome; Hereditary Cancer Syndrome; Tumor predisposition. Identifiers: Orphanet 140162, MedGen C0027672, MeSH D009386, MONDO:0015356.
Tuberous sclerosis syndrome (TSC). Also called: Tuberous sclerosis; Tuberous Sclerosis Complex. Identifiers: Orphanet 805, MedGen C0041341, MONDO:0001734.

Allele frequency attached by ClinVar (database versions not stated): 1000 Genomes Project 30x 0.00062; gnomAD exomes 0.00202; gnomAD 0.00226 and 0.00231; 1000 Genomes Project 0.00080; ExAC 0.00165; ESP Exome Variant Server 0.00269; TOPMed 0.00216.
gnomAD v4.1: 7,209 of 1,613,418 alleles (0.45%); highest among the groups gnomAD compares: Non-Finnish European, 0.57%; 21 homozygotes.

Submissions (28):

CeGaT Center for Human Genetics Tuebingen
Classification: Likely benign. Last evaluated: 2026-09-01. Review status: criteria provided, single submitter. Criteria: CeGaT Center For Human Genetics Tuebingen Variant Classification Criteria Version 2. Collection method: clinical testing. Allele origin: germline. Affected: yes. Observed: 49 variant alleles.
Comment: TSC2: PM5, BS1, BS2

Women's Health and Genetics/Laboratory Corporation of America, LabCorp
Classification: Likely benign. Last evaluated: 2026-03-26. Review status: criteria provided, single submitter. Criteria: LabCorp Variant Classification Summary - May 2015. Collection method: clinical testing. Allele origin: germline.

Labcorp Genetics (formerly Invitae), Labcorp
Classification: Benign for Tuberous sclerosis 2. Last evaluated: 2026-02-04. Review status: criteria provided, single submitter. Criteria: Invitae Variant Classification Sherloc (09022015). Collection method: clinical testing. Allele origin: germline.

Mayo Clinic Laboratories, Mayo Clinic
Classification: Benign. Last evaluated: 2025-10-23. Review status: criteria provided, single submitter. Criteria: ACMG Guidelines, 2015. Collection method: clinical testing. Allele origin: germline. Observed: 8 variant alleles.
Comment: BS1, BS2, BP2

Myriad Genetics, Inc.
Classification: Benign for Tuberous sclerosis 2. Last evaluated: 2025-05-15. Review status: criteria provided, single submitter. Criteria: Myriad Autosomal Dominant, Autosomal Recessive and X-Linked Classification Criteria (2023). Collection method: clinical testing. Allele origin: unknown.
Comment: This variant is considered benign. This variant has been observed at a population frequency that is significantly greater than expected given the associated disease prevalence and penetrance. Homozygosity has been confirmed in one or more individuals. As homozygosity for pathogenic variants in this gene is generally assumed to result in embryonic lethality, this variant is unlikely to be pathogenic.

ARUP Laboratories, Molecular Genetics and Genomics, ARUP Laboratories
Classification: Likely benign. Last evaluated: 2025-04-18. Review status: criteria provided, single submitter. Criteria: ARUP Molecular Germline Variant Investigation Process 2024. Collection method: clinical testing. Allele origin: germline.

Athena Diagnostics
Classification: Benign. Last evaluated: 2024-12-06. Review status: criteria provided, single submitter. Criteria: Athena Diagnostics Criteria. Collection method: clinical testing. Allele origin: unknown.
Comment: The frequency of this variant in the general population is higher than would generally be expected for pathogenic variants in this gene.

Blueprint Genetics
Classification: Likely benign. Last evaluated: 2024-11-27. Review status: criteria provided, single submitter. Criteria: ACMG Guidelines, 2015. Collection method: clinical testing. Allele origin: germline.

Department of Pathology and Laboratory Medicine, Sinai Health System
Classification: Likely benign for Lymphangiomyomatosis; Isolated focal cortical dysplasia type II; Tuberous sclerosis 2. Last evaluated: 2023-11-30. Review status: criteria provided, single submitter. Criteria: ACMG Guidelines, 2015. Collection method: clinical testing. Allele origin: germline. Affected: yes.

Color Diagnostics, LLC DBA Color Health
Classification: Benign for Tuberous sclerosis syndrome. Last evaluated: 2022-09-20. Review status: criteria provided, single submitter. Criteria: ACMG Guidelines, 2015. Collection method: clinical testing. Allele origin: germline.

Genome-Nilou Lab
Classification: Benign for Tuberous sclerosis 2. Last evaluated: 2021-11-07. Review status: criteria provided, single submitter. Criteria: ACMG Guidelines, 2015. Collection method: clinical testing. Allele origin: germline. Affected: no.

Institute for Clinical Genetics, University Hospital TU Dresden, University Hospital TU Dresden
Classification: Likely benign. Last evaluated: 2021-11-03. Review status: criteria provided, single submitter. Criteria: ACMG Guidelines, 2015. Collection method: clinical testing. Allele origin: germline.

Quest Diagnostics Nichols Institute San Juan Capistrano
Classification: Benign. Last evaluated: 2021-07-20. Review status: criteria provided, single submitter. Criteria: Quest Diagnostics criteria. Collection method: clinical testing. Allele origin: unknown.

Sema4
Classification: Benign for Hereditary cancer-predisposing syndrome. Last evaluated: 2020-08-31. Review status: criteria provided, single submitter. Criteria: Sema4 Curation Guidelines. Collection method: curation. Allele origin: germline.

GeneDx
Classification: Benign. Last evaluated: 2019-02-20. Review status: criteria provided, single submitter. Criteria: GeneDx Variant Classification Process June 2021. Collection method: clinical testing. Allele origin: germline. Affected: yes.
Comment: This variant is associated with the following publications: (PMID: 10205261, 17304050, 22703879, 27997549, 28003660, 25925381, 23718828, 23514105, 26094658, 19254590, 24728327, 29607586)

Illumina Laboratory Services, Illumina
Classification: Benign for Tuberous sclerosis syndrome. Last evaluated: 2018-01-13. Review status: criteria provided, single submitter. Criteria: ICSL Variant Classification Criteria 13 December 2019. Collection method: clinical testing. Allele origin: germline.
Comment: This variant was observed in the ICSL laboratory as part of a predisposition screen in an ostensibly healthy population. It had not been previously curated by ICSL or reported in the Human Gene Mutation Database (HGMD: prior to June 1st, 2018), and was therefore a candidate for classification through an automated scoring system. Utilizing variant allele frequency, disease prevalence and penetrance estimates, and inheritance mode, an automated score was calculated to assess if this variant is too frequent to cause the disease. Based on the score and internal cut-off values, a variant classified as benign is not then subjected to further curation. The score for this variant resulted in a classification of benign for this disease.

Center for Pediatric Genomic Medicine, Children's Mercy Hospital and Clinics
Classification: Likely benign. Last evaluated: 2017-06-22. Review status: criteria provided, single submitter. Criteria: ACMG Guidelines, 2015. Collection method: clinical testing. Allele origin: germline.

PreventionGenetics, part of Exact Sciences
Classification: Benign. Last evaluated: 2016-01-26. Review status: criteria provided, single submitter. Criteria: ACMG Guidelines, 2015. Collection method: clinical testing. Allele origin: germline.

Eurofins Ntd Llc (ga)
Classification: Benign. Last evaluated: 2015-10-26. Review status: criteria provided, single submitter. Criteria: EGL Classification Definitions 2015. Collection method: clinical testing. Allele origin: germline. Observed: 3 variant alleles, 3 heterozygotes.

Genetic Services Laboratory, University of Chicago
Classification: Likely benign. Last evaluated: 2015-02-02. Review status: criteria provided, single submitter. Criteria: ACMG Guidelines, 2015. Collection method: clinical testing. Allele origin: germline.

Ambry Genetics
Classification: Benign for Hereditary cancer-predisposing syndrome. Last evaluated: 2015-01-08. Review status: criteria provided, single submitter. Criteria: Ambry Variant Classification Scheme 2023. Collection method: clinical testing. Allele origin: germline.

ITMI
No classification provided. Condition: AllHighlyPenetrant. Last evaluated: 2013-09-19. Review status: no classification provided. Collection method: reference population. Allele origin: germline. Not counted in ClinVar's aggregate classification.
Comment: Please see associated publication for description of ethnicities

Biesecker Lab/Clinical Genomics Section, National Institutes of Health
Classification: Benign. Last evaluated: 2012-07-13. Review status: no assertion criteria provided. Collection method: research. Allele origin: germline. Affected: no. Observed: 6 variant alleles. Study: ClinSeq. Not counted in ClinVar's aggregate classification.
ClinVar note: Converted during submission from no known pathogenicity to Benign.

Clinical Genetics DNA and cytogenetics Diagnostics Lab, Erasmus MC, Erasmus Medical Center
Classification: Benign. Review status: no assertion criteria provided. Collection method: clinical testing. Allele origin: germline. Affected: yes. Study: VKGL Data-share Consensus. Not counted in ClinVar's aggregate classification.

Clinical Genetics, Academic Medical Center
Classification: Benign. Review status: no assertion criteria provided. Collection method: clinical testing. Allele origin: germline. Affected: yes. Study: VKGL Data-share Consensus. Not counted in ClinVar's aggregate classification.

Genome Diagnostics Laboratory, Amsterdam University Medical Center
Classification: Likely benign. Review status: no assertion criteria provided. Collection method: clinical testing. Allele origin: germline. Affected: yes. Study: VKGL Data-share Consensus. Not counted in ClinVar's aggregate classification.

Laboratory of Diagnostic Genome Analysis, Leiden University Medical Center (LUMC)
Classification: Likely benign. Review status: no assertion criteria provided. Collection method: clinical testing. Allele origin: germline. Affected: yes. Study: VKGL Data-share Consensus. Not counted in ClinVar's aggregate classification.

Tuberous sclerosis database (TSC2)
No classification provided. Condition: TSC. Review status: no classification provided. Criteria: Tuberous Sclerosis Database Assertion Criteria 2015. Collection method: curation. Allele origin: germline. Affected: yes. Not counted in ClinVar's aggregate classification.

Literature cited by the submitters: PubMed 10205261 (cited by 3 submitters); PubMed 17304050 (cited by Athena Diagnostics and Quest Diagnostics Nichols Institute San Juan Capistrano); PubMed 24728327 (cited by ITMI).